The following is an entry in ClinVar:

NM_033380.3(COL4A5):c.1157G>A (p.Gly386Glu)

Gene: COL4A5 (collagen type IV alpha 5 chain; plus strand). Cytogenetic location: Xq22.3.
Variant type: single nucleotide variant.
Coding change: c.1157G>A on transcript NM_033380.3 (MANE Select); coding-DNA position 1157, G replaced by A.
Protein change: p.Gly386Glu; replaces glycine 386 with glutamic acid.
Molecular consequence: missense variant.
Genome position (GRCh38, 1-based): chrX:108,586,739, G>A. VCF-style: chrX-108586739-G-A. GRCh37 (hg19) VCF-style: chrX-107829969-G-A.
Other names: c.1157G>A, p.Gly386Glu (NM_000495.5); short protein forms G386E.
Identifiers: ClinVar variation 4802179 (VCV004802179.1).

ClinVar aggregate classification (germline): Likely pathogenic (1 of 4 stars; one submission).

Submission:

Labcorp Genetics (formerly Invitae), Labcorp
Classification: Likely pathogenic. Last evaluated: 2025-01-21. Review status: criteria provided, single submitter. Criteria: Invitae Variant Classification Sherloc (09022015). Collection method: clinical testing. Allele origin: germline.
Comment: This sequence change replaces glycine, which is neutral and non-polar, with glutamic acid, which is acidic and polar, at codon 386 of the COL4A5 protein (p.Gly386Glu). This variant is not present in population databases (gnomAD no frequency). This variant has not been reported in the literature in individuals affected with COL4A5-related conditions. Invitae Evidence Modeling of protein sequence and biophysical properties (such as structural, functional, and spatial information, amino acid conservation, physicochemical variation, residue mobility, and thermodynamic stability) indicates that this missense variant is expected to disrupt COL4A5 protein function with a positive predictive value of 95%. This variant disrupts the triple helix domain of COL4A5. Glycine residues within the Gly-Xaa-Yaa repeats of the triple helix domain are required for the structure and stability of fibrillar collagens (PMID: 7695699, 8218237, 19344236). In COL4A5, missense variants at these glycine residues are significantly enriched in individuals with disease (PMID: 23720012, 27627812) compared to the general population (ExAC). In summary, the currently available evidence indicates that the variant is pathogenic, but additional data are needed to prove that conclusively. Therefore, this variant has been classified as Likely Pathogenic.

Literature cited by the submitters: PubMed 7695699; PubMed 8218237; PubMed 19344236; PubMed 23720012; PubMed 27627812.